The following is an entry in ClinVar:

NM_001040108.2(MLH3):c.2670G>A (p.Met890Ile)

Gene: MLH3 (mutL homolog 3; minus strand). Cytogenetic location: 14q24.3.
Variant type: single nucleotide variant.
Coding change: c.2670G>A on transcript NM_001040108.2 (MANE Select); coding-DNA position 2670, G replaced by A.
Protein change: p.Met890Ile; replaces methionine 890 with isoleucine.
Molecular consequence: missense variant.
Genome position (GRCh38, 1-based): chr14:75,046,986, C>T on the plus strand (G>A on the coding strand, the complement: MLH3 is on the minus strand). VCF-style: chr14-75046986-C-T. GRCh37 (hg19) VCF-style: chr14-75513689-C-T.
Other names: c.2670G>A, p.Met890Ile (NM_014381.3); short protein forms M890I.
Identifiers: ClinVar variation 478029 (VCV000478029.19), dbSNP rs147021156, ClinGen allele CA7275661.

ClinVar aggregate classification (germline): Conflicting classifications of pathogenicity. Review status: criteria provided, conflicting classifications (1 of 4 stars). 4 submissions from 4 submitters: Uncertain significance (1); Likely benign (2). 1 of the submissions does not count toward it. Last evaluated 2025-12-02.

Conditions:
MLH3-related disorder. Also called: MLH3-related condition.
Colorectal cancer, hereditary nonpolyposis, type 7. Identifiers: Orphanet 144, MedGen C1858380, MONDO:0013725, OMIM 614385.

Allele frequency attached by ClinVar (database versions not stated): gnomAD exomes 0.00007 and 0.00018; ExAC 0.00018; ESP Exome Variant Server 0.00069; TOPMed 0.00073; gnomAD 0.00089 and 0.00093; 1000 Genomes Project 0.00120; 1000 Genomes Project 30x 0.00141.
gnomAD v4.1: 236 of 1,614,172 alleles (0.015%); highest among the groups gnomAD compares: African/African-American, 0.28%; no homozygotes.

Submissions (4):

Labcorp Genetics (formerly Invitae), Labcorp
Classification: Likely benign for Colorectal cancer, hereditary nonpolyposis, type 7. Last evaluated: 2025-12-02. Review status: criteria provided, single submitter. Criteria: Invitae Variant Classification Sherloc (09022015). Collection method: clinical testing. Allele origin: germline.

Center for Genomic Medicine, Rigshospitalet, Copenhagen University Hospital
Classification: Uncertain significance. Last evaluated: 2025-03-04. Review status: criteria provided, single submitter. Criteria: ACMG Guidelines, 2015. Collection method: clinical testing. Allele origin: germline.

Ambry Genetics
Classification: Likely benign. Last evaluated: 2020-09-30. Review status: criteria provided, single submitter. Criteria: Ambry Variant Classification Scheme 2023. Collection method: clinical testing. Allele origin: germline.

PreventionGenetics, part of Exact Sciences
Classification: Likely benign for MLH3-related condition. Last evaluated: 2019-12-10. Review status: no assertion criteria provided. Collection method: clinical testing. Allele origin: germline. Not counted in ClinVar's aggregate classification.
Comment: This variant is classified as likely benign based on ACMG/AMP sequence variant interpretation guidelines (Richards et al. 2015 PMID: 25741868, with internal and published modifications).